The following is an entry in ClinVar:

ClinVar aggregate classification (germline): Likely pathogenic (1 of 4 stars; one submission).

Conditions:
Autosomal recessive congenital ichthyosis 3 (ARCI3). Also called: ICHTHYOSIS, LAMELLAR, 5. Identifiers: MedGen C3539888, MONDO:0011680, OMIM 606545.

Submission:

First Genomix Gene Laboratory, Genetic Diagnostics Department
Classification: Likely pathogenic for Autosomal recessive congenital ichthyosis 3. Last evaluated: 2025-03-14. Review status: criteria provided, single submitter. Criteria: ACMG Guidelines, 2015. Collection method: clinical testing. Allele origin: germline. Inheritance: Autosomal recessive inheritance. Affected: no. Observed: 1 variant allele.

NM_021628.3(ALOXE3):c.434+2T>G

Gene: ALOXE3 (arachidonate epidermal lipoxygenase 3; minus strand). Cytogenetic location: 17p13.1.
Variant type: single nucleotide variant.
Coding change: c.434+2T>G on transcript NM_021628.3 (MANE Select); the canonical splice donor site of the intron after coding-DNA position 434, T replaced by G.
Molecular consequence: splice donor variant.
Genome position (GRCh38, 1-based): chr17:8,115,605, A>C on the plus strand (T>G on the coding strand, the complement: ALOXE3 is on the minus strand). VCF-style: chr17-8115605-A-C. GRCh37 (hg19) VCF-style: chr17-8018923-A-C.
Other names: c.830+2T>G (NM_001165960.1); c.434+2T>G (NM_001369446.1).
Identifiers: ClinVar variation 4845809 (VCV004845809.1).